The following is an entry in ClinVar:

ClinVar aggregate classification (germline): Uncertain significance. Review status: criteria provided, multiple submitters, no conflicts (2 of 4 stars). 2 submissions from 2 submitters: Uncertain significance (2). Last evaluated 2025-01-03.

Conditions:
Hereditary cancer-predisposing syndrome. Also called: Neoplastic Syndromes, Hereditary; Tumor predisposition; Hereditary neoplastic syndrome; Hereditary Cancer Syndrome. Identifiers: Orphanet 140162, MedGen C0027672, MeSH D009386, MONDO:0015356.

Allele frequency attached by ClinVar (database versions not stated): TOPMed below 0.00001; gnomAD 0.00001.
gnomAD v4.1: 1 of 1,613,982 alleles (0.000062%); highest among the groups gnomAD compares: Admixed American, 0.0017%; no homozygotes.

Submissions (2):

Ambry Genetics
Classification: Uncertain significance for Hereditary cancer-predisposing syndrome. Last evaluated: 2025-01-03. Review status: criteria provided, single submitter. Criteria: Ambry Variant Classification Scheme 2023. Collection method: clinical testing. Allele origin: germline.
Comment: The p.P1363L variant (also known as c.4088C>T), located in coding exon 32 of the POLE gene, results from a C to T substitution at nucleotide position 4088. The proline at codon 1363 is replaced by leucine, an amino acid with similar properties. This amino acid position is well conserved in available vertebrate species. In addition, this alteration is predicted to be tolerated by in silico analysis. Based on the available evidence, the clinical significance of this variant remains unclear.

Labcorp Genetics (formerly Invitae), Labcorp
Classification: Uncertain significance. Last evaluated: 2023-11-04. Review status: criteria provided, single submitter. Criteria: Invitae Variant Classification Sherloc (09022015). Collection method: clinical testing. Allele origin: germline.
Comment: This sequence change replaces proline, which is neutral and non-polar, with leucine, which is neutral and non-polar, at codon 1363 of the POLE protein (p.Pro1363Leu). This variant is not present in population databases (gnomAD no frequency). This variant has not been reported in the literature in individuals affected with POLE-related conditions. ClinVar contains an entry for this variant (Variation ID: 566776). Advanced modeling of protein sequence and biophysical properties (such as structural, functional, and spatial information, amino acid conservation, physicochemical variation, residue mobility, and thermodynamic stability) performed at Invitae indicates that this missense variant is not expected to disrupt POLE protein function with a negative predictive value of 80%. In summary, the available evidence is currently insufficient to determine the role of this variant in disease. Therefore, it has been classified as a Variant of Uncertain Significance.

NM_006231.4(POLE):c.4088C>T (p.Pro1363Leu)

Gene: POLE (DNA polymerase epsilon, catalytic subunit; minus strand). Cytogenetic location: 12q24.33.
Variant type: single nucleotide variant.
Coding change: c.4088C>T on transcript NM_006231.4 (MANE Select); coding-DNA position 4088, C replaced by T.
Protein change: p.Pro1363Leu; replaces proline 1363 with leucine.
Molecular consequence: missense variant.
Genome position (GRCh38, 1-based): chr12:132,648,990, G>A on the plus strand (C>T on the coding strand, the complement: POLE is on the minus strand). VCF-style: chr12-132648990-G-A. GRCh37 (hg19) VCF-style: chr12-133225576-G-A.
Other names: c.4088C>T (NM_006231.2); short protein forms P1363L.
Identifiers: ClinVar variation 566776 (VCV000566776.6), dbSNP rs1399456425, ClinGen allele CA387383759.